The following continues an entry in ClinVar:

NM_000218.3(KCNQ1):c.477+5G>A

Gene: KCNQ1. ClinVar aggregate classification (germline): Likely pathogenic. Likely pathogenic (1).

Submissions 7 to 13 of 20:

All of Us Research Program, National Institutes of Health
Classification: Pathogenic for Long QT syndrome. Last evaluated: 2024-09-24. Review status: criteria provided, single submitter. Criteria: ACMG Guidelines, 2015. Collection method: clinical testing. Allele origin: germline. Inheritance: Autosomal dominant inheritance. Observed: 4 variant alleles, 4 heterozygotes. Not counted in ClinVar's aggregate classification.
Comment: This variant causes a G to A nucleotide substitution at the +5 position of intron 2 splice donor site of the KCNQ1 gene. Splice site prediction tools predict that this variant may have a significant impact on RNA splicing. Functional studies using RNA samples from carriers and mini-gene assays have shown that this variant results in the complete loss of canonical splicing (PMID: 10728423, 36197721, 37821546, DOI 10.4081/cardiogenetics.2012.e6). This variant has been reported in over ten individuals affected with long QT syndrome or prolonged QT interval (PMID: 10560595, 10728423, 10973849, 16922724, 22429796, 28438721; Crehalet et al., 2012, DOI 10.4081/cardiogenetics.2012.e; Hofman 2013, dissertation, Univ. of Amsterdam, ISBN 9789461822116). This variant has also been identified in five biallelic individuals affected with autosomal recessive Jervell and Lange-Nielsen syndrome (PMID: 10728423, 23392653, 32508908; Amirian 2018, doi:10.4172/1747-0862.1000359), indicating that this variant contributes to disease. This variant has been identified in 3/250976 chromosomes in the general population by the Genome Aggregation Database (gnomAD). Loss of KCNQ1 function is a known mechanism of disease. Based on the available evidence, this variant is classified as Pathogenic.

This study involves interpretation of variants in research participants for the purpose of population health screening. Participant phenotype was not available at the time of variant classification. Additional details can be found in publication PMID: 35346344, PMCID: PMC8962531

Color Diagnostics, LLC DBA Color Health
Classification: Pathogenic for Cardiac arrhythmia. Last evaluated: 2024-06-06. Review status: criteria provided, single submitter. Criteria: ACMG Guidelines, 2015. Collection method: clinical testing. Allele origin: germline. Not counted in ClinVar's aggregate classification.
Comment: This variant causes a G to A nucleotide substitution at the +5 position of intron 2 splice donor site of the KCNQ1 gene. Splice site prediction tools predict that this variant may have a significant impact on RNA splicing. Functional studies using RNA samples from carriers and mini-gene assays have shown that this variant results in the complete loss of canonical splicing (PMID: 10728423, 36197721, 37821546, DOI 10.4081/cardiogenetics.2012.e6). This variant has been reported in over ten individuals affected with long QT syndrome or prolonged QT interval (PMID: 10560595, 10728423, 10973849, 16922724, 22429796, 28438721; Crehalet et al., 2012, DOI 10.4081/cardiogenetics.2012.e; Hofman 2013, dissertation, Univ. of Amsterdam, ISBN 9789461822116). This variant has also been identified in five biallelic individuals affected with autosomal recessive Jervell and Lange-Nielsen syndrome (PMID: 10728423, 23392653, 32508908; Amirian 2018, doi:10.4172/1747-0862.1000359), indicating that this variant contributes to disease. This variant has been identified in 3/250976 chromosomes in the general population by the Genome Aggregation Database (gnomAD). Loss of KCNQ1 function is a known mechanism of disease. Based on the available evidence, this variant is classified as Pathogenic.

Laboratory for Molecular Medicine, Mass General Brigham Personalized Medicine
Classification: Pathogenic for Isolated congenital long QT syndrome. Last evaluated: 2024-04-12. Review status: criteria provided, single submitter. Criteria: ACMG Guidelines, 2015. Collection method: clinical testing. Allele origin: germline. Inheritance: Autosomal dominant inheritance. Not counted in ClinVar's aggregate classification.
Comment: The c.477+5G>A variant in KCNQ1 has been reported in the heterozygous state in >5 individuals with Long QT syndrome (LQTS), and in the compound heterozygous state in one individual with Jervell and Lange-Nielsen syndrome (JLNS; Ackerman 1999 PMID: 10560595, Chouabe 2000 PMID: 10728423, Hofman 2011 PMID: 21350584, Crehalet 2012, Obeyesekere 2012 PMID: 22429796). It segregated with prolonged QT-intervals in at least 3 relatives from 2 different families, including that of the individual with JNLS (Ackerman 1999 PMID: 10560595, Chouabe 2000 PMID: 10728423). At least two relatives who were heterozygous carriers of this variant were clinically asymptomatic for LQTS, suggesting reduced penetrance (Chouabe 2000 PMID: 10728423). The c.477+5G>A variant has also been reported by other clinical laboratories in ClinVar (Variation ID: 53047). In addition, it has been identified in 0.0012% (1/74812) of African/African American, 0.001% (1/91002) of South Asian chromosomes and 0.0009% (10/1175974) European chromosomes by gnomAD (v4.0.0). This variant is located in the 5' splice region. Functional studies using patient cDNA have shown that the c.477+5G>A variant impacts splicing (Chouabe 2000 PMID: 10728423, Crehalet 2012), leading to an aberrant mRNA transcript that is predicted to encode the first 159 amino acids of the protein, followed by 4 aberrant residues and a premature termination codon. This would likely result in an absent protein. Loss-of-function variants in KCNQ1 are associated with LQTS (also known as Romano-Ward syndrome) in the heterozygous state and with JLNS in the compound heterozygous or homozygous state. In summary, this variant meets criteria to be classified as pathogenic for autosomal dominant LQTS (ACMG/AMP Criteria applied: PVS1, PM2_Supporting, PS4_Moderate, PP1) and autosomal recessive JLNS (ACMG/AMP Criteria applied: PVS1, PM2_Supporting, PM3).

ARUP Laboratories, Molecular Genetics and Genomics, ARUP Laboratories
Classification: Pathogenic. Last evaluated: 2024-03-29. Review status: criteria provided, single submitter. Criteria: ARUP Molecular Germline Variant Investigation Process 2024. Collection method: clinical testing. Allele origin: germline. Not counted in ClinVar's aggregate classification.
Comment: The KCNQ1 c.477+5G>A variant (rs397508111, ClinVar Variation ID: 53047) is reported in the literature in several individuals affected with LQTS or Jervell and Lange-Nielsen syndrome (JLNS) (Ackerman 1999, Crehalet 2012, Giudicessi 2013, Kapplinger 2009, Millat 2006, Obeyesekere 2012, Splawski 2000, Van Langen 2003). This variant is found in the general population with an overall allele frequency of 0.0012% (3/250976 alleles) in the Genome Aggregation Database (v2.1.1). This is an intronic variant, and computational analyses (Alamut Visual Plus v.1.5.1) predict that this variant may impact splicing by weakening the nearby canonical donor splice site. Additionally, in vitro assays show use of a cryptic donor site further downstream (Crehalet 2012), and other variants affecting the same splice site (c.477+5G>C and c.477+1G>A) have been reported in individuals with LQTS (Kapplinger 2009). Based on available information, the c.477+5G>A variant is considered to be pathogenic. References: Ackerman MJ et al. Swimming, a gene-specific arrhythmogenic trigger for inherited long QT syndrome. Mayo Clin Proc. 1999 Nov;74(11):1088-94. PMID: 10560595. Crehalet H et al. Combined use of in silico and in vitro splicing assays for interpretation of genomic variants of unknown significance in cardiomyopathies and channelopathies. Cardiogenetics. 2012; v2:e6. Giudicessi JR et al. Prevalence and potential genetic determinants of sensorineural deafness in KCNQ1 homozygosity and compound heterozygosity. Circ Cardiovasc Genet. 2013 Apr;6(2):193-200. PMID: 23392653. Kapplinger JD et al. Spectrum and prevalence of mutations from the first 2,500 consecutive unrelated patients referred for the FAMILION long QT syndrome genetic test. Heart Rhythm. 2009 Sep;6(9):1297-303. PMID: 19716085. Millat G et al. Spectrum of pathogenic mutations and associated polymorphisms in a cohort of 44 unrelated patients with long QT syndrome. Clin Genet. 2006 Sep;70(3):214-27. PMID: 16922724. Obeyesekere MN et al. End-recovery QTc: a useful metric for assessing genetic variants of unknown significance in long-QT syndrome. J Cardiovasc Electrophysiol. 2012 Jun;23(6):637-42. PMID: 22429796. Splawski I et al. Spectrum of mutations in long-QT syndrome genes. KVLQT1, HERG, SCN5A, KCNE1, and KCNE2. Circulation. 2000 Sep 5;102(10):1178-85. PMID: 10973849. Van Langen IM et al. The use of genotype-phenotype correlations in mutation analysis for the long QT syndrome. J Med Genet. 2003 Feb;40(2):141-5. PMID: 12566525.

Blueprint Genetics
Classification: Pathogenic for KCNQ1-related disorders. Last evaluated: 2024-03-02. Review status: criteria provided, single submitter. Criteria: ACMG Guidelines, 2015. Collection method: clinical testing. Allele origin: germline. Affected: yes. Observed: 2 variant alleles. Not counted in ClinVar's aggregate classification.

Women's Health and Genetics/Laboratory Corporation of America, LabCorp
Classification: Pathogenic for Cardiac arrhythmia. Last evaluated: 2023-08-21. Review status: criteria provided, single submitter. Criteria: LabCorp Variant Classification Summary - May 2015. Collection method: clinical testing. Allele origin: germline. Not counted in ClinVar's aggregate classification.
Comment: Variant summary: KCNQ1 c.477+5G>A alters a conserved nucleotide located close to a canonical splice site and therefore could affect mRNA splicing, leading to a significantly altered protein sequence. Several computational tools predict a significant impact on normal splicing: Two predict the variant abolishes the 5 canonical splicing donor site. Two predict the variant weakens the 5' canonical splicing donor site. At least one publication reports experimental evidence that this variant affects mRNA splicing in Hela cells by a minigene splicing assay (Crehalet_2012). The variant allele was found at a frequency of 1.2e-05 in 250976 control chromosomes. c.477+5G>A has been reported in the literature in multiple individuals affected with features of autosomal dominant Arrhythmia including prolonged QT/QTc interval or Long-QT Syndrome (examples, Crehalet_2012, Yee_2022, Al-Hassnan_2017). This variant has also been observed at a compound heterozygous state along with second pathogenic variants in at-least two individuals diagnosed with autosomal recessive Jervell and Lange-Nielsen syndrome (examples, Chouabe_2000, Qiu_2020), which the patients present both congenital sensorineural deafness and prolonged QT intervals. These data indicate that the variant is very likely to be associated with both diseases. The following publications have been ascertained in the context of this evaluation (PMID: 28438721, 10728423, 32508908, 36102233, Crehalet_2012 without PMID). 11 submitters have cited clinical-significance assessments for this variant to ClinVar after 2014. All submitters classified the variant as pathogenic/likely pathogenic. Based on the evidence outlined above, the variant was classified as pathogenic.

Molecular Genetics Laboratory - Cardiogenetics, CHU de Nantes
Classification: Pathogenic for Long QT syndrome 1. Last evaluated: 2023-08-01. Review status: criteria provided, single submitter. Criteria: ACMG Guidelines, 2015. Collection method: clinical testing. Allele origin: germline. Affected: yes. Not counted in ClinVar's aggregate classification.